The following is an entry in ClinVar:

ClinVar aggregate classification (germline): Uncertain significance (1 of 4 stars; one submission).

Allele frequency attached by ClinVar (database versions not stated): gnomAD exomes below 0.00001; TOPMed 0.00001; ExAC 0.00002.
gnomAD v4.1: 2 of 1,613,858 alleles (0.00012%); highest among the groups gnomAD compares: Admixed American, 0.0033%; no homozygotes.

Submission:

Labcorp Genetics (formerly Invitae), Labcorp
Classification: Uncertain significance. Last evaluated: 2022-04-06. Review status: criteria provided, single submitter. Criteria: Invitae Variant Classification Sherloc (09022015). Collection method: clinical testing. Allele origin: germline.
Comment: This sequence change replaces asparagine, which is neutral and polar, with lysine, which is basic and polar, at codon 12 of the SLC25A3 protein (p.Asn12Lys). This variant is present in population databases (rs747708858, gnomAD 0.006%). This variant has not been reported in the literature in individuals affected with SLC25A3-related conditions. Algorithms developed to predict the effect of missense changes on protein structure and function are either unavailable or do not agree on the potential impact of this missense change (SIFT: "Deleterious"; PolyPhen-2: "Possibly Damaging"; Align-GVGD: "Class C0"). In summary, the available evidence is currently insufficient to determine the role of this variant in disease. Therefore, it has been classified as a Variant of Uncertain Significance.

NM_002635.4(SLC25A3):c.36C>A (p.Asn12Lys)

Gene: SLC25A3 (solute carrier family 25 member 3; plus strand). Cytogenetic location: 12q23.1.
Variant type: single nucleotide variant.
Coding change: c.36C>A on transcript NM_002635.4 (MANE Select); coding-DNA position 36, C replaced by A.
Protein change: p.Asn12Lys; replaces asparagine 12 with lysine.
Molecular consequence: missense variant.
Genome position (GRCh38, 1-based): chr12:98,594,014, C>A. VCF-style: chr12-98594014-C-A. GRCh37 (hg19) VCF-style: chr12-98987792-C-A.
Other names: c.36C>A, p.Asn12Lys (NM_005888.4, NM_213611.3); short protein forms N12K.
Identifiers: ClinVar variation 2077169 (VCV002077169.1), dbSNP rs747708858, ClinGen allele CA6732788.